The following is an entry in ClinVar:

ClinVar aggregate classification (germline): Benign/Likely benign. Review status: criteria provided, multiple submitters, no conflicts (2 of 4 stars). 3 submissions from 3 submitters: Benign (1); Likely benign (2). Last evaluated 2025-03-10.

Conditions:
Mitochondrial complex II deficiency, nuclear type 1. Also called: SUCCINATE CoQ REDUCTASE DEFICIENCY. Identifiers: Orphanet 3208, MedGen C5700310, MONDO:0100294, OMIM 252011.
Pheochromocytoma/paraganglioma syndrome 5. Also called: Paragangliomas 5; SDHA-Related Hereditary Paraganglioma-Pheochromocytoma Syndrome. Identifiers: Orphanet 29072, MedGen C3279992, MONDO:0013602, OMIM 614165.
Hereditary cancer-predisposing syndrome. Also called: Neoplastic Syndromes, Hereditary; Hereditary Cancer Syndrome; Hereditary neoplastic syndrome; Tumor predisposition. Identifiers: Orphanet 140162, MedGen C0027672, MeSH D009386, MONDO:0015356.

Submissions (3):

Myriad Genetics, Inc.
Classification: Benign for Pheochromocytoma/paraganglioma syndrome 5. Last evaluated: 2025-03-10. Review status: criteria provided, single submitter. Criteria: Myriad Autosomal Dominant, Autosomal Recessive and X-Linked Classification Criteria (2023). Collection method: clinical testing. Allele origin: unknown.
Comment: This variant is considered benign. This variant is a silent/synonymous amino acid change and it is not expected to impact splicing.

Labcorp Genetics (formerly Invitae), Labcorp
Classification: Likely benign for Pheochromocytoma/paraganglioma syndrome 5; Mitochondrial complex II deficiency, nuclear type 1. Last evaluated: 2023-10-23. Review status: criteria provided, single submitter. Criteria: Invitae Variant Classification Sherloc (09022015). Collection method: clinical testing. Allele origin: germline.

Ambry Genetics
Classification: Likely benign for Hereditary cancer-predisposing syndrome. Last evaluated: 2022-02-15. Review status: criteria provided, single submitter. Criteria: Ambry Variant Classification Scheme 2023. Collection method: clinical testing. Allele origin: germline.

NM_004168.4(SDHA):c.1290G>A (p.Gln430=)

Gene: SDHA (succinate dehydrogenase complex flavoprotein subunit A; plus strand). Cytogenetic location: 5p15.33.
Variant type: single nucleotide variant.
Coding change: c.1290G>A on transcript NM_004168.4 (MANE Select); coding-DNA position 1290, G replaced by A.
Protein change: p.Gln430=; no amino-acid change (glutamine 430 retained).
Molecular consequence: synonymous variant.
Genome position (GRCh38, 1-based): chr5:236,457, G>A. VCF-style: chr5-236457-G-A. GRCh37 (hg19) VCF-style: chr5-236572-G-A.
Other names: c.1146G>A, p.Gln382= (NM_001294332.2); c.1290G>A, p.Gln430= (NM_001330758.2).
Identifiers: ClinVar variation 472318 (VCV000472318.15), dbSNP rs772728779, ClinGen allele CA442692072.
Genomic context (GRCh38, chr5:236,457, plus strand): 5'-GACATTTCACCTGAAATCTTCCTTTCCACAGGTCCTGAGGCACGTGAATGGCCAGGATCA[G>A]ATTGTGCCCGGCCTGTACGCCTGTGGGGAGGCCGCCTGTGCCTCGGTACATGGTGCCAAC-3'
Protein context (NP_004159.2, residues 420-440): QVLRHVNGQD[Gln430=]IVPGLYACGE